The following is an entry in ClinVar:

NM_000081.4(LYST):c.5696A>C (p.Lys1899Thr)

Gene: LYST (lysosomal trafficking regulator; minus strand). Cytogenetic location: 1q42.3.
Variant type: single nucleotide variant.
Coding change: c.5696A>C on transcript NM_000081.4 (MANE Select); coding-DNA position 5696, A replaced by C.
Protein change: p.Lys1899Thr; replaces lysine 1899 with threonine.
Molecular consequence: missense variant.
Genome position (GRCh38, 1-based): chr1:235,773,930, T>G on the plus strand (A>C on the coding strand, the complement: LYST is on the minus strand). VCF-style: chr1-235773930-T-G. GRCh37 (hg19) VCF-style: chr1-235937230-T-G.
Other names: c.5696A>C, p.Lys1899Thr (NM_001301365.1); short protein forms K1899T.
Identifiers: ClinVar variation 1035215 (VCV001035215.8), dbSNP rs2527962290, ClinGen allele CA344950501.
Genomic context (GRCh38, chr1:235,773,930, plus strand): 5'-AGCAATAGTTCCTCTAACAGCTTAACATCTTGGATTATAGCATTAGAGTCTACATCCAAC[T>G]TAAACTCTCCATTCTCATTCATATAAATAATATCTTCACCACAGCATCCTTCAAGAAGGG-3'
Protein context (NP_000072.2, residues 1889-1909): IIYMNENGEF[Lys1899Thr]LDVDSNAIIQ

ClinVar aggregate classification (germline): Uncertain significance (1 of 4 stars; one submission).

Conditions:
Chédiak-Higashi syndrome (CHS). Also called: Chediak-Higashi Syndrome. Identifiers: Orphanet 167, MedGen C0007965, MONDO:0008963, OMIM 214500.

Submission:

Labcorp Genetics (formerly Invitae), Labcorp
Classification: Uncertain significance for Chédiak-Higashi syndrome. Last evaluated: 2022-02-10. Review status: criteria provided, single submitter. Criteria: Invitae Variant Classification Sherloc (09022015). Collection method: clinical testing. Allele origin: germline.
Comment: ClinVar contains an entry for this variant (Variation ID: 1035215). This variant is not present in population databases (gnomAD no frequency). This variant has not been reported in the literature in individuals affected with LYST-related conditions. Algorithms developed to predict the effect of missense changes on protein structure and function output the following: SIFT: "Tolerated"; PolyPhen-2: "Benign"; Align-GVGD: "Class C0". The threonine amino acid residue is found in multiple mammalian species, which suggests that this missense change does not adversely affect protein function. In summary, the available evidence is currently insufficient to determine the role of this variant in disease. Therefore, it has been classified as a Variant of Uncertain Significance. This sequence change replaces lysine, which is basic and polar, with threonine, which is neutral and polar, at codon 1899 of the LYST protein (p.Lys1899Thr).